The following is an entry in ClinVar:

ClinVar aggregate classification (germline): Benign (1 of 4 stars; one submission).

Allele frequency attached by ClinVar (database versions not stated): 1000 Genomes Project 0.05371; 1000 Genomes Project 30x 0.05621; gnomAD exomes 0.06169; gnomAD 0.06535 and 0.06725; TOPMed 0.06744.

Submission:

GeneDx
Classification: Benign. Last evaluated: 2018-06-19. Review status: criteria provided, single submitter. Criteria: GeneDx Variant Classification (06012015). Collection method: clinical testing. Allele origin: germline. Affected: yes.
Comment: This variant is considered likely benign or benign based on one or more of the following criteria: it is a conservative change, it occurs at a poorly conserved position in the protein, it is predicted to be benign by multiple in silico algorithms, and/or has population frequency not consistent with disease.

NM_004863.4(SPTLC2):c.631+130del

Gene: SPTLC2 (serine palmitoyltransferase long chain base subunit 2; minus strand). Cytogenetic location: 14q24.3.
Variant type: Deletion.
Coding change: c.631+130del on transcript NM_004863.4 (MANE Select); 130 bases into the intron after coding-DNA position 631, one base deleted (G; older notation c.631+130delG).
Molecular consequence: intron variant.
Genome position (GRCh38, 1-based): chr14:77,576,637, C deleted on the plus strand (G on the coding strand, the reverse complement: SPTLC2 is on the minus strand). VCF-style (leftmost placement, unchanged base first): chr14-77576636-GC-G. GRCh37 (hg19) VCF-style: chr14-78042979-GC-G.
Other names: c.631+130delG (NM_004863.3).
Identifiers: ClinVar variation 672218 (VCV000672218.1), dbSNP rs148802575, ClinGen allele CA263840781.
Genomic context (GRCh38, chr14:77,576,636, plus strand): 5'-AACACATCTCAAAATGTGTTGAAAGCATTGAAATCATCCATCACACTTCAGAAAAACAAA[GC>G]ATTCTTCACCTTATCTAAATGACATGACAAAGTGTAGATATTTAATACTCTAGGTCAATA-3'